The following is an entry in ClinVar:

ClinVar aggregate classification (germline): Pathogenic (1 of 4 stars; one submission).

Submission:

Labcorp Genetics (formerly Invitae), Labcorp
Classification: Pathogenic. Last evaluated: 2023-08-06. Review status: criteria provided, single submitter. Criteria: Invitae Variant Classification Sherloc (09022015). Collection method: clinical testing. Allele origin: germline.
Comment: For these reasons, this variant has been classified as Pathogenic. This sequence change creates a premature translational stop signal (p.Trp1328Leufs*10) in the OTOF gene. It is expected to result in an absent or disrupted protein product. Loss-of-function variants in OTOF are known to be pathogenic (PMID: 18381613, 19250381, 22575033). This variant is not present in population databases (gnomAD no frequency). This variant has not been reported in the literature in individuals affected with OTOF-related conditions.

Literature cited by the submitters: PubMed 18381613; PubMed 19250381; PubMed 22575033.

NM_194248.3(OTOF):c.3982dup (p.Trp1328fs)

Gene: OTOF (otoferlin; minus strand). Cytogenetic location: 2p23.3.
Variant type: Duplication.
Coding change: c.3982dup on transcript NM_194248.3 (MANE Select); coding-DNA position 3982, one base duplicated (T; older notation c.3982dupT).
Protein change: p.Trp1328fs; shifts the reading frame from tryptophan 1328.
Molecular consequence: frameshift variant.
Genome position (GRCh38, 1-based): chr2:26,470,634, A duplicated on the plus strand (T on the coding strand, the reverse complement: OTOF is on the minus strand). VCF-style (leftmost placement, unchanged base first): chr2-26470633-C-CA. GRCh37 (hg19) VCF-style: chr2-26693501-C-CA.
Other names: c.3982dup, p.Trp1328fs (NM_001287489.2); c.1681dup, p.Trp561fs (NM_004802.4, NM_194323.3); c.1912dup, p.Trp638fs (NM_194322.3); short protein forms W1328fs, W561fs, W638fs.
Identifiers: ClinVar variation 2750633 (VCV002750633.3), dbSNP rs2465549875, ClinGen allele CA2697547948.